The following is an entry in ClinVar:

ClinVar aggregate classification (germline): Uncertain significance (1 of 4 stars; one submission).

Submission:

Labcorp Genetics (formerly Invitae), Labcorp
Classification: Uncertain significance. Last evaluated: 2023-12-21. Review status: criteria provided, single submitter. Criteria: Invitae Variant Classification Sherloc (09022015). Collection method: clinical testing. Allele origin: germline.
Comment: This sequence change replaces valine, which is neutral and non-polar, with alanine, which is neutral and non-polar, at codon 487 of the RHBDF2 protein (p.Val487Ala). This variant is not present in population databases (gnomAD no frequency). This variant has not been reported in the literature in individuals affected with RHBDF2-related conditions. An algorithm developed to predict the effect of missense changes on protein structure and function (PolyPhen-2) suggests that this variant is likely to be tolerated. In summary, the available evidence is currently insufficient to determine the role of this variant in disease. Therefore, it has been classified as a Variant of Uncertain Significance.

NM_001005498.4(RHBDF2):c.1373T>C (p.Val458Ala)

Gene: RHBDF2 (rhomboid 5 homolog 2; minus strand). Cytogenetic location: 17q25.1.
Variant type: single nucleotide variant.
Coding change: c.1373T>C on transcript NM_001005498.4 (MANE Select); coding-DNA position 1373, T replaced by C.
Protein change: p.Val458Ala; replaces valine 458 with alanine.
Molecular consequence: missense variant. On other transcripts: non-coding transcript variant (3).
Genome position (GRCh38, 1-based): chr17:76,474,464, A>G on the plus strand (T>C on the coding strand, the complement: RHBDF2 is on the minus strand). VCF-style: chr17-76474464-A-G. GRCh37 (hg19) VCF-style: chr17-74470546-A-G.
Other names: c.1373T>C, p.Val458Ala (NM_001376228.1, NM_001376229.1, NM_001376230.1); c.1460T>C, p.Val487Ala (NM_024599.5); short protein forms V487A, V458A.
Identifiers: ClinVar variation 2819541 (VCV002819541.3), dbSNP rs1598654293, ClinGen allele CA401167417.